The following is an entry in ClinVar:

ClinVar aggregate classification (germline): Benign. Review status: criteria provided, multiple submitters, no conflicts (2 of 4 stars). 5 submissions from 5 submitters: Benign (4). 1 of the submissions does not count toward it. Last evaluated 2026-02-03.

Conditions:
Neurodegeneration, early-onset, with choreoathetoid movements and microcytic anemia. Identifiers: MedGen C5193104, MONDO:0032758, OMIM 618451.
IREB2-related disorder. Also called: IREB2-related condition.

Allele frequency attached by ClinVar (database versions not stated): 1000 Genomes Project 30x 0.42786; 1000 Genomes Project 0.43111; TOPMed 0.49183; gnomAD 0.50473 and 0.50562; ESP Exome Variant Server 0.51164; ExAC 0.54388; gnomAD exomes 0.54468.
gnomAD v4.1: 932,583 of 1,609,776 alleles (58%); highest among the groups gnomAD compares: Non-Finnish European, 62%; 276,179 homozygotes.

Submissions (5):

Labcorp Genetics (formerly Invitae), Labcorp
Classification: Benign. Last evaluated: 2026-02-03. Review status: criteria provided, single submitter. Criteria: Invitae Variant Classification Sherloc (09022015). Collection method: clinical testing. Allele origin: germline.

Blueprint Genetics
Classification: Benign. Last evaluated: 2024-11-27. Review status: criteria provided, single submitter. Criteria: ACMG Guidelines, 2015. Collection method: clinical testing. Allele origin: germline.

Genome-Nilou Lab
Classification: Benign for Neurodegeneration, early-onset, with choreoathetoid movements and microcytic anemia. Last evaluated: 2021-08-19. Review status: criteria provided, single submitter. Criteria: ACMG Guidelines, 2015. Collection method: clinical testing. Allele origin: germline. Affected: no.

Breakthrough Genomics
Classification: Benign. Review status: criteria provided, single submitter. Criteria: ACMG Guidelines, 2015. Collection method: not provided. Allele origin: germline. Inheritance: Autosomal recessive inheritance. Affected: yes.

PreventionGenetics, part of Exact Sciences
Classification: Benign for IREB2-related condition. Last evaluated: 2019-10-30. Review status: no assertion criteria provided. Collection method: clinical testing. Allele origin: germline. Not counted in ClinVar's aggregate classification.
Comment: This variant is classified as benign based on ACMG/AMP sequence variant interpretation guidelines (Richards et al. 2015 PMID: 25741868, with internal and published modifications).

NM_004136.4(IREB2):c.2616C>T (p.Ala872=)

Gene: IREB2 (iron responsive element binding protein 2; plus strand). Cytogenetic location: 15q25.1.
Variant type: single nucleotide variant.
Coding change: c.2616C>T on transcript NM_004136.4 (MANE Select); coding-DNA position 2616, C replaced by T.
Protein change: p.Ala872=; no amino-acid change (alanine 872 retained).
Molecular consequence: synonymous variant.
Genome position (GRCh38, 1-based): chr15:78,497,146, C>T. VCF-style: chr15-78497146-C-T. GRCh37 (hg19) VCF-style: chr15-78789488-C-T.
Other names: c.1866C>T, p.Ala622= (NM_001320941.2); c.2445C>T, p.Ala815= (NM_001320942.2, NM_001354994.2); c.2616C>T (NM_004136.3).
Identifiers: ClinVar variation 1300043 (VCV001300043.11), dbSNP rs13180, ClinGen allele CA7683287.